The following is an entry in ClinVar:

NM_002742.3(PRKD1):c.2015C>T (p.Ser672Leu)

Gene: PRKD1 (protein kinase D1; minus strand). Cytogenetic location: 14q12.
Variant type: single nucleotide variant.
Coding change: c.2015C>T on transcript NM_002742.3 (MANE Select); coding-DNA position 2015, C replaced by T.
Protein change: p.Ser672Leu; replaces serine 672 with leucine.
Molecular consequence: missense variant.
Genome position (GRCh38, 1-based): chr14:29,599,708, G>A on the plus strand (C>T on the coding strand, the complement: PRKD1 is on the minus strand). VCF-style: chr14-29599708-G-A. GRCh37 (hg19) VCF-style: chr14-30068914-G-A.
Other names: c.2039C>T, p.Ser680Leu (NM_001330069.2); c.1751C>T, p.Ser584Leu (NM_001348390.1); short protein forms S584L, S672L, S680L.
Identifiers: ClinVar variation 2502023 (VCV002502023.1), dbSNP rs2502452921, ClinGen allele CA389332333.
Genomic context (GRCh38, chr14:29,599,708, plus strand): 5'-TTTCTTACCTGAGTAATTAAAAACTTCGTTATGTGCTCTGGCAACCTGCCCTTTTCACTT[G>A]ACAAGATCATTTCCAGCATGTCTCCATGGAGTTTTTCCATAACAACAAACACTCTTTCAG-3'
Protein context (NP_002733.2, residues 662-682): LHGDMLEMIL[Ser672Leu]SEKGRLPEHI

ClinVar aggregate classification (germline): Uncertain significance (1 of 4 stars; one submission).

Submission:

GeneDx
Classification: Uncertain significance. Last evaluated: 2022-11-10. Review status: criteria provided, single submitter. Criteria: GeneDx Variant Classification Process June 2021. Collection method: clinical testing. Allele origin: germline. Affected: yes.
Comment: Not observed at significant frequency in large population cohorts (gnomAD); In silico analysis supports that this missense variant has a deleterious effect on protein structure/function; Has not been previously published as pathogenic or benign to our knowledge